The following is an entry in ClinVar:

ClinVar aggregate classification (germline): Uncertain significance (1 of 4 stars; one submission).

gnomAD v4.1: 2 of 1,613,312 alleles (0.00012%); highest among the groups gnomAD compares: Non-Finnish European, 0.00017%; no homozygotes.

Submission:

GeneDx
Classification: Uncertain significance. Last evaluated: 2024-01-30. Review status: criteria provided, single submitter. Criteria: GeneDx Variant Classification Process June 2021. Collection method: clinical testing. Allele origin: germline. Affected: yes.
Comment: Not observed at significant frequency in large population cohorts (gnomAD); In silico analysis supports that this missense variant has a deleterious effect on protein structure/function; Has not been previously published as pathogenic or benign to our knowledge

NM_002473.6(MYH9):c.2417T>G (p.Leu806Arg)

Gene: MYH9 (myosin heavy chain 9; minus strand). Cytogenetic location: 22q12.3.
Variant type: single nucleotide variant.
Coding change: c.2417T>G on transcript NM_002473.6 (MANE Select); coding-DNA position 2417, T replaced by G.
Protein change: p.Leu806Arg; replaces leucine 806 with arginine.
Molecular consequence: missense variant.
Genome position (GRCh38, 1-based): chr22:36,302,650, A>C on the plus strand (T>G on the coding strand, the complement: MYH9 is on the minus strand). VCF-style: chr22-36302650-A-C. GRCh37 (hg19) VCF-style: chr22-36698696-A-C.
Other names: short protein forms L806R.
Identifiers: ClinVar variation 3368376 (VCV003368376.1).